The following is an entry in ClinVar:

ClinVar aggregate classification (germline): Uncertain significance. Review status: criteria provided, multiple submitters, no conflicts (2 of 4 stars). 2 submissions from 2 submitters: Uncertain significance (2). Last evaluated 2025-08-09.

Conditions:
Inborn genetic diseases. Identifiers: MedGen C0950123, MeSH D030342.

Allele frequency attached by ClinVar (database versions not stated): gnomAD 0.00007; ESP Exome Variant Server 0.00015.
gnomAD v4.1: 84 of 1,613,532 alleles (0.0052%); highest among the groups gnomAD compares: Middle Eastern, 0.016%; no homozygotes.

Submissions (2):

GeneDx
Classification: Uncertain significance. Last evaluated: 2025-08-09. Review status: criteria provided, single submitter. Criteria: GeneDx Variant Classification Process June 2021. Collection method: clinical testing. Allele origin: germline. Affected: yes.
Comment: In silico analysis suggests that this missense variant does not alter protein structure/function; Has not been previously published as pathogenic or benign to our knowledge

Ambry Genetics
Classification: Uncertain significance for Inborn genetic diseases. Last evaluated: 2021-06-18. Review status: criteria provided, single submitter. Criteria: Ambry Variant Classification Scheme 2023. Collection method: clinical testing. Allele origin: germline.

NM_005664.4(MKRN3):c.434C>T (p.Thr145Met)

Gene: MKRN3 (makorin ring finger protein 3; plus strand). Cytogenetic location: 15q11.2.
Variant type: single nucleotide variant.
Coding change: c.434C>T on transcript NM_005664.4 (MANE Select); coding-DNA position 434, C replaced by T.
Protein change: p.Thr145Met; replaces threonine 145 with methionine.
Molecular consequence: missense variant.
Genome position (GRCh38, 1-based): chr15:23,566,216, C>T. VCF-style: chr15-23566216-C-T. GRCh37 (hg19) VCF-style: chr15-23811363-C-T.
Other names: short protein forms T145M.
Identifiers: ClinVar variation 2375685 (VCV002375685.3), dbSNP rs371642799, ClinGen allele CA7429363.